The following is an entry in ClinVar:

ClinVar aggregate classification (germline): Likely benign (1 of 4 stars; one submission).

Conditions:
MELAS syndrome (MELAS). Also called: Juvenile myopathy, encephalopathy, lactic acidosis, stroke. Identifiers: Orphanet 550, MedGen C0162671, MONDO:0010789, OMIM 540000.

Submission:

Wong Mito Lab, Molecular and Human Genetics, Baylor College of Medicine
Classification: Likely benign for MELAS syndrome. Last evaluated: 2019-07-12. Review status: criteria provided, single submitter. Criteria: Modified ACMG Guidelines (Unpublished). Collection method: clinical testing. Allele origin: germline.
Comment: The NC_012920.1:m.1618A>G variant in MT-TV gene is interpreted to be a Likely Benign variant based on the modified ACMG guidelines (unpublished). This variant meets the following evidence codes reported in the guidelines: BS1, BP4, BP6

Literature cited by the submitters: PubMed 31965079.

NC_012920.1(MT-TV):m.1618A>G

Gene: MT-TV (mitochondrially encoded tRNA valine; plus strand).
Variant type: single nucleotide variant.
Genome position: chrM-1618-A-G.
Identifiers: ClinVar variation 689836 (VCV000689836.1), dbSNP rs1603218584, ClinGen allele CA913163207.